The following is an entry in ClinVar:

ClinVar aggregate classification (germline): Pathogenic/Likely pathogenic. Review status: criteria provided, multiple submitters, no conflicts (2 of 4 stars). 2 submissions from 2 submitters: Pathogenic (1); Likely pathogenic (1). Last evaluated 2022-06-06.

Conditions:
Hypertrophic cardiomyopathy. Also called: HYPERTROPHIC MYOCARDIOPATHY. Identifiers: Orphanet 217569, MedGen C0007194, MeSH D002312, MONDO:0005045, HP:0001639.

Submissions (2):

GeneDx
Classification: Likely pathogenic. Last evaluated: 2022-06-06. Review status: criteria provided, single submitter. Criteria: GeneDx Variant Classification Process June 2021. Collection method: clinical testing. Allele origin: germline. Affected: yes.
Comment: Identified in patients with HCM in the published literature (Ho et al., 2018); Not observed at significant frequency in large population cohorts (gnomAD); Frameshift variant predicted to result in protein truncation or nonsense mediated decay in a gene for which loss of function is a known mechanism of disease; This variant is associated with the following publications: (PMID: 30297972)

Labcorp Genetics (formerly Invitae), Labcorp
Classification: Pathogenic for Hypertrophic cardiomyopathy. Last evaluated: 2022-06-03. Review status: criteria provided, single submitter. Criteria: Invitae Variant Classification Sherloc (09022015). Collection method: clinical testing. Allele origin: germline.
Comment: This variant is not present in population databases (gnomAD no frequency). This sequence change creates a premature translational stop signal (p.Tyr1043Leufs*8) in the MYBPC3 gene. It is expected to result in an absent or disrupted protein product. Loss-of-function variants in MYBPC3 are known to be pathogenic (PMID: 19574547). This premature translational stop signal has been observed in individual(s) with hypertrophic cardiomyopathy (PMID: 30297972). For these reasons, this variant has been classified as Pathogenic. Algorithms developed to predict the effect of sequence changes on RNA splicing suggest that this variant may create or strengthen a splice site.

Literature cited by the submitters: PubMed 19574547 (cited by Labcorp Genetics (formerly Invitae), Labcorp); PubMed 30297972 (cited by Labcorp Genetics (formerly Invitae), Labcorp).

NM_000256.3(MYBPC3):c.3127dup (p.Tyr1043fs)

Gene: MYBPC3 (myosin binding protein C3; minus strand). Cytogenetic location: 11p11.2.
Variant type: Duplication.
Coding change: c.3127dup on transcript NM_000256.3 (MANE Select); coding-DNA position 3127, one base duplicated (T; older notation c.3127dupT).
Protein change: p.Tyr1043fs; shifts the reading frame from tyrosine 1043.
Molecular consequence: frameshift variant.
Genome position (GRCh38, 1-based): chr11:47,333,620, A duplicated on the plus strand (T on the coding strand, the reverse complement: MYBPC3 is on the minus strand); the first of 2 consecutive A bases (chr11:47,333,620-47,333,621); duplicating either gives the same sequence. VCF-style (leftmost placement, unchanged base first): chr11-47333619-T-TA. GRCh37 (hg19) VCF-style: chr11-47355170-T-TA.
Other names: short protein forms Y1043fs.
Identifiers: ClinVar variation 1803540 (VCV001803540.6), dbSNP rs2495741473, ClinGen allele CA2574815785.